The following is an entry in ClinVar:

ClinVar aggregate classification (germline): Likely pathogenic (1 of 4 stars; one submission).

Conditions:
Hereditary cancer-predisposing syndrome. Also called: Neoplastic Syndromes, Hereditary; Tumor predisposition; Hereditary Cancer Syndrome; Hereditary neoplastic syndrome. Identifiers: Orphanet 140162, MedGen C0027672, MeSH D009386, MONDO:0015356.

Submission:

Ambry Genetics
Classification: Likely pathogenic for Hereditary cancer-predisposing syndrome. Last evaluated: 2024-10-03. Review status: criteria provided, single submitter. Criteria: Ambry Variant Classification Scheme 2023. Collection method: clinical testing. Allele origin: germline.
Comment: The p.C11Y variant (also known as c.32G>A), located in coding exon 1 of the FLCN gene, results from a G to A substitution at nucleotide position 32. The cysteine at codon 11 is replaced by tyrosine, an amino acid with highly dissimilar properties. Another variant at the same codon, p.C11R (c.31T>C), has been detected in one patient from a cohort of individuals with Birt-Hogg-Dub&eacute; syndrome (BHDS) (Lee JH et al. Korean J Intern Med, 2019 Jul;34:830-840). This amino acid position is highly conserved in available vertebrate species. In addition, this alteration is predicted to be deleterious by in silico analysis. This variant is considered to be rare based on population cohorts in the Genome Aggregation Database (gnomAD). Based on the majority of available evidence to date, this variant is likely to be pathogenic.

NM_144997.7(FLCN):c.32G>A (p.Cys11Tyr)

Gene: FLCN (folliculin; minus strand). Cytogenetic location: 17p11.2.
Variant type: single nucleotide variant.
Coding change: c.32G>A on transcript NM_144997.7 (MANE Select); coding-DNA position 32, G replaced by A.
Protein change: p.Cys11Tyr; replaces cysteine 11 with tyrosine.
Molecular consequence: missense variant.
Genome position (GRCh38, 1-based): chr17:17,228,106, C>T on the plus strand (G>A on the coding strand, the complement: FLCN is on the minus strand). VCF-style: chr17-17228106-C-T. GRCh37 (hg19) VCF-style: chr17-17131420-C-T.
Other names: c.32G>A, p.Cys11Tyr (NM_001353229.2, NM_001353230.2, NM_001353231.2 and 1 more transcripts); short protein forms C11Y.
Identifiers: ClinVar variation 1729958 (VCV001729958.3), dbSNP rs2544314925, ClinGen allele CA398535467.